The following is an entry in ClinVar:

NM_000434.4(NEU1):c.868C>T (p.Arg290Ter)

Gene: NEU1 (neuraminidase 1; minus strand). Cytogenetic location: 6p21.33.
Variant type: single nucleotide variant.
Coding change: c.868C>T on transcript NM_000434.4 (MANE Select); coding-DNA position 868, C replaced by T.
Protein change: p.Arg290Ter; replaces arginine 290 with a stop codon.
Molecular consequence: nonsense.
Genome position (GRCh38, 1-based): chr6:31,860,195, G>A on the plus strand (C>T on the coding strand, the complement: NEU1 is on the minus strand). VCF-style: chr6-31860195-G-A. GRCh37 (hg19) VCF-style: chr6-31827972-G-A.
Other names: short protein forms R290*.
Identifiers: ClinVar variation 3010917 (VCV003010917.3), dbSNP rs778036088, ClinGen allele CA3724933.
Genomic context (GRCh38, chr6:31,860,195, plus strand): 5'-CGAAGGTCACATCACGGGGCCTTAGTGTATCACAGGCATCATAGCTGCGGAGGACAATTC[G>A]GCAGTGGCAGTGGTAGTTGTTCTGGTTTCGGGCATTGATGACGACTGAGCCATCTGGGAG-3'

ClinVar aggregate classification (germline): Pathogenic (1 of 4 stars; one submission).

Allele frequency attached by ClinVar (database versions not stated): TOPMed 0.00002; gnomAD 0.00001; ExAC 0.00002; gnomAD exomes 0.00003.
gnomAD v4.1: 45 of 1,612,890 alleles (0.0028%); highest among the groups gnomAD compares: Non-Finnish European, 0.0034%; no homozygotes.

Submission:

Labcorp Genetics (formerly Invitae), Labcorp
Classification: Pathogenic. Last evaluated: 2025-03-17. Review status: criteria provided, single submitter. Criteria: Invitae Variant Classification Sherloc (09022015). Collection method: clinical testing. Allele origin: germline.
Comment: This sequence change creates a premature translational stop signal (p.Arg290*) in the NEU1 gene. It is expected to result in an absent or disrupted protein product. Loss-of-function variants in NEU1 are known to be pathogenic (PMID: 11063730, 14517945). This variant is present in population databases (rs778036088, gnomAD 0.005%). This variant has not been reported in the literature in individuals affected with NEU1-related conditions. ClinVar contains an entry for this variant (Variation ID: 3010917). For these reasons, this variant has been classified as Pathogenic.

Literature cited by the submitters: PubMed 11063730; PubMed 14517945.